The following is an entry in ClinVar:

ClinVar aggregate classification (germline): Conflicting classifications of pathogenicity. Review status: criteria provided, conflicting classifications (1 of 4 stars). 2 submissions from 2 submitters: Uncertain significance (1); Likely benign (1). Last evaluated 2025-05-18.

Conditions:
Hereditary cancer-predisposing syndrome. Also called: Neoplastic Syndromes, Hereditary; Tumor predisposition; Hereditary Cancer Syndrome; Hereditary neoplastic syndrome. Identifiers: Orphanet 140162, MedGen C0027672, MeSH D009386, MONDO:0015356.
Neuroblastoma, susceptibility to, 3. Also called: ALK-Related Neuroblastic Tumor Susceptibility. Identifiers: Orphanet 635, MedGen C2751681, MONDO:0013083, OMIM 613014.

Submissions (2):

Ambry Genetics
Classification: Likely benign for Hereditary cancer-predisposing syndrome. Last evaluated: 2025-05-18. Review status: criteria provided, single submitter. Criteria: Ambry Variant Classification Scheme 2023. Collection method: clinical testing. Allele origin: germline.

Labcorp Genetics (formerly Invitae), Labcorp
Classification: Uncertain significance for Neuroblastoma, susceptibility to, 3. Last evaluated: 2024-12-31. Review status: criteria provided, single submitter. Criteria: Invitae Variant Classification Sherloc (09022015). Collection method: clinical testing. Allele origin: germline.
Comment: This sequence change replaces methionine, which is neutral and non-polar, with isoleucine, which is neutral and non-polar, at codon 611 of the ALK protein (p.Met611Ile). This variant is not present in population databases (gnomAD no frequency). This variant has not been reported in the literature in individuals affected with ALK-related conditions. An algorithm developed to predict the effect of missense changes on protein structure and function outputs the following: PolyPhen-2: "Benign". The isoleucine amino acid residue is found in multiple mammalian species, which suggests that this missense change does not adversely affect protein function. In summary, the available evidence is currently insufficient to determine the role of this variant in disease. Therefore, it has been classified as a Variant of Uncertain Significance.

NM_004304.5(ALK):c.1833G>C (p.Met611Ile)

Gene: ALK (ALK receptor tyrosine kinase; minus strand). Cytogenetic location: 2p23.2.
Variant type: single nucleotide variant.
Coding change: c.1833G>C on transcript NM_004304.5 (MANE Select); coding-DNA position 1833, G replaced by C.
Protein change: p.Met611Ile; replaces methionine 611 with isoleucine.
Molecular consequence: missense variant.
Genome position (GRCh38, 1-based): chr2:29,275,481, C>G on the plus strand (G>C on the coding strand, the complement: ALK is on the minus strand). VCF-style: chr2-29275481-C-G. GRCh37 (hg19) VCF-style: chr2-29498347-C-G.
Other names: c.1833G>C (NM_004304.4); short protein forms M611I.
Identifiers: ClinVar variation 3607003 (VCV003607003.3).